The following is an entry in ClinVar:

NM_000257.4(MYH7):c.5747A>G (p.Gln1916Arg)

Gene: MYH7 (myosin heavy chain 7; minus strand). Cytogenetic location: 14q11.2.
Variant type: single nucleotide variant.
Coding change: c.5747A>G on transcript NM_000257.4 (MANE Select); coding-DNA position 5747, A replaced by G.
Protein change: p.Gln1916Arg; replaces glutamine 1916 with arginine.
Molecular consequence: missense variant.
Genome position (GRCh38, 1-based): chr14:23,413,802, T>C on the plus strand (A>G on the coding strand, the complement: MYH7 is on the minus strand). VCF-style: chr14-23413802-T-C. GRCh37 (hg19) VCF-style: chr14-23883011-T-C.
Other names: c.5747A>G, p.Gln1916Arg (NM_001407004.1); short protein forms Q1916R.
Identifiers: ClinVar variation 3633317 (VCV003633317.2).

ClinVar aggregate classification (germline): Uncertain significance (1 of 4 stars; one submission).

Conditions:
Hypertrophic cardiomyopathy. Also called: HYPERTROPHIC MYOCARDIOPATHY. Identifiers: Orphanet 217569, MedGen C0007194, MeSH D002312, MONDO:0005045, HP:0001639.

Submission:

Labcorp Genetics (formerly Invitae), Labcorp
Classification: Uncertain significance for Hypertrophic cardiomyopathy. Last evaluated: 2024-05-28. Review status: criteria provided, single submitter. Criteria: Invitae Variant Classification Sherloc (09022015). Collection method: clinical testing. Allele origin: germline.
Comment: This sequence change replaces glutamine, which is neutral and polar, with arginine, which is basic and polar, at codon 1916 of the MYH7 protein (p.Gln1916Arg). This variant is not present in population databases (gnomAD no frequency). This missense change has been observed in individual(s) with dilated cardiomyopathy (Invitae). Advanced modeling of protein sequence and biophysical properties (such as structural, functional, and spatial information, amino acid conservation, physicochemical variation, residue mobility, and thermodynamic stability) performed at Invitae indicates that this missense variant is expected to disrupt MYH7 protein function with a positive predictive value of 95%. This variant disrupts the p.Gln1916 amino acid residue in MYH7. Other variant(s) that disrupt this residue have been observed in individuals with MYH7-related conditions (PMID: 33019804), which suggests that this may be a clinically significant amino acid residue. In summary, the available evidence is currently insufficient to determine the role of this variant in disease. Therefore, it has been classified as a Variant of Uncertain Significance.

Literature cited by the submitters: PubMed 33019804.